The following is an entry in ClinVar:

ClinVar aggregate classification (germline): Benign/Likely benign. Review status: criteria provided, multiple submitters, no conflicts (2 of 4 stars). 10 submissions from 10 submitters: Benign (2); Likely benign (8). Last evaluated 2026-09-15.

Conditions:
ATM-related disorder. Also called: ATM-related disorders; ATM-related condition.
Hereditary cancer-predisposing syndrome. Also called: Tumor predisposition; Neoplastic Syndromes, Hereditary; Hereditary Cancer Syndrome; Hereditary neoplastic syndrome. Identifiers: Orphanet 140162, MedGen C0027672, MeSH D009386, MONDO:0015356.
Familial cancer of breast. Also called: hereditary breast carcinoma; BREAST CANCER, FAMILIAL; Hereditary breast cancer. Identifiers: Orphanet 227535, MedGen C0346153, MONDO:0016419, OMIM 114480. Disease mechanism: loss of function.
Ataxia-telangiectasia syndrome (AT). Also called: LOUIS-BAR SYNDROME; Ataxia-telangiectasia, complementation group D; Ataxia telangiectasia (A-T); AT, COMPLEMENTATION GROUP C; ATAXIA-TELANGIECTASIA, COMPLEMENTATION GROUP A; ATAXIA-TELANGIECTASIA, FRESNO VARIANT. Identifiers: Orphanet 100, MedGen C0004135, MONDO:0008840, OMIM 208900.

gnomAD v4.1: 6 of 1,607,628 alleles (0.00037%); highest among the groups gnomAD compares: Middle Eastern, 0.017%; no homozygotes.

Submissions (10):

PreventionGenetics, part of Exact Sciences
Classification: Likely benign for ATM-related condition. Last evaluated: 2026-09-15. Review status: criteria provided, single submitter. Criteria: ACMG Guidelines, 2015. Collection method: clinical testing. Allele origin: germline.
Comment: This variant is classified as likely benign based on ACMG/AMP sequence variant interpretation guidelines (Richards et al. 2015 PMID: 25741868, with internal and published modifications).

Labcorp Genetics (formerly Invitae), Labcorp
Classification: Likely benign for Ataxia-telangiectasia syndrome. Last evaluated: 2026-01-24. Review status: criteria provided, single submitter. Criteria: Invitae Variant Classification Sherloc (09022015). Collection method: clinical testing. Allele origin: germline.

CeGaT Center for Human Genetics Tuebingen
Classification: Likely benign. Last evaluated: 2025-03-01. Review status: criteria provided, single submitter. Criteria: CeGaT Center For Human Genetics Tuebingen Variant Classification Criteria Version 2. Collection method: clinical testing. Allele origin: germline. Affected: yes. Observed: 2 variant alleles.
Comment: ATM: BP4, BP7

Myriad Genetics, Inc.
Classification: Benign for Familial cancer of breast. Last evaluated: 2024-05-07. Review status: criteria provided, single submitter. Criteria: Myriad Autosomal Dominant, Autosomal Recessive and X-Linked Classification Criteria (2023). Collection method: clinical testing. Allele origin: unknown.
Comment: This variant is considered benign. This variant is a silent/synonymous amino acid change and it is not expected to impact splicing.

ARUP Laboratories, Molecular Genetics and Genomics, ARUP Laboratories
Classification: Likely benign. Last evaluated: 2023-05-03. Review status: criteria provided, single submitter. Criteria: ARUP Molecular Germline Variant Investigation Process 2024. Collection method: clinical testing. Allele origin: germline.

Women's Health and Genetics/Laboratory Corporation of America, LabCorp
Classification: Likely benign. Last evaluated: 2023-01-16. Review status: criteria provided, single submitter. Criteria: LabCorp Variant Classification Summary - May 2015. Collection method: clinical testing. Allele origin: germline.

Genetic Services Laboratory, University of Chicago
Classification: Likely benign. Last evaluated: 2021-11-30. Review status: criteria provided, single submitter. Criteria: ACMG Guidelines, 2015. Collection method: clinical testing. Allele origin: germline. Affected: no.

Color Diagnostics, LLC DBA Color Health
Classification: Likely benign for Hereditary cancer-predisposing syndrome. Last evaluated: 2017-03-27. Review status: criteria provided, single submitter. Criteria: ACMG Guidelines, 2015. Collection method: clinical testing. Allele origin: germline.

Ambry Genetics
Classification: Likely benign for Hereditary cancer-predisposing syndrome. Last evaluated: 2015-05-01. Review status: criteria provided, single submitter. Criteria: Ambry Variant Classification Scheme 2023. Collection method: clinical testing. Allele origin: germline.

GeneDx
Classification: Benign. Last evaluated: 2015-03-03. Review status: criteria provided, single submitter. Criteria: GeneDx Variant Classification Process June 2021. Collection method: clinical testing. Allele origin: germline. Affected: yes.

NM_000051.4(ATM):c.2148C>G (p.Val716=)

Gene: ATM (ATM serine/threonine kinase; plus strand). Cytogenetic location: 11q22.3.
Variant type: single nucleotide variant.
Coding change: c.2148C>G on transcript NM_000051.4 (MANE Select); coding-DNA position 2148, C replaced by G.
Protein change: p.Val716=; no amino-acid change (valine 716 retained).
Molecular consequence: synonymous variant.
Genome position (GRCh38, 1-based): chr11:108,256,238, C>G. VCF-style: chr11-108256238-C-G. GRCh37 (hg19) VCF-style: chr11-108126965-C-G.
Other names: c.2148C>G, p.Val716= (NM_001351834.2).
Identifiers: ClinVar variation 185153 (VCV000185153.52), dbSNP rs1800701, ClinGen allele CA191167.